The following is an entry in ClinVar:

NM_001844.5(COL2A1):c.1527+133G>A

Gene: COL2A1 (collagen type II alpha 1 chain; minus strand). Cytogenetic location: 12q13.11.
Variant type: single nucleotide variant.
Coding change: c.1527+133G>A on transcript NM_001844.5 (MANE Select); 133 bases into the intron after coding-DNA position 1527, G replaced by A.
Molecular consequence: intron variant.
Genome position (GRCh38, 1-based): chr12:47,986,203, C>T on the plus strand (G>A on the coding strand, the complement: COL2A1 is on the minus strand). VCF-style: chr12-47986203-C-T. GRCh37 (hg19) VCF-style: chr12-48379986-C-T.
Other names: c.1320+133G>A (NM_033150.3).
Identifiers: ClinVar variation 3051645 (VCV003051645.2), dbSNP rs3829731, ClinGen allele CA236527590.

ClinVar aggregate classification (germline): Likely benign (0 of 4 stars; one submission).

Conditions:
COL2A1-related disorder. Also called: COL2A1-related condition; COL2A1-related disorders.

Allele frequency attached by ClinVar (database versions not stated): TOPMed 0.00003; gnomAD 0.00012; 1000 Genomes Project 0.00040; gnomAD exomes 0.00042; 1000 Genomes Project 30x 0.00047.
gnomAD v4.1: 268 of 767,870 alleles (0.035%); highest among the groups gnomAD compares: East Asian, 0.67%; no homozygotes.

Submission:

PreventionGenetics, part of Exact Sciences
Classification: Likely benign for COL2A1-related condition. Last evaluated: 2020-10-15. Review status: no assertion criteria provided. Collection method: clinical testing. Allele origin: germline.
Comment: This variant is classified as likely benign based on ACMG/AMP sequence variant interpretation guidelines (Richards et al. 2015 PMID: 25741868, with internal and published modifications).